The following is an entry in ClinVar:

ClinVar aggregate classification (germline): Likely benign (1 of 4 stars; one submission).

Submission:

CeGaT Center for Human Genetics Tuebingen
Classification: Likely benign. Last evaluated: 2022-12-01. Review status: criteria provided, single submitter. Criteria: CeGaT Center For Human Genetics Tuebingen Variant Classification Criteria Version 2. Collection method: clinical testing. Allele origin: germline. Affected: yes. Observed: 1 variant allele.
Comment: NEXMIF: PM2:Supporting, BP4, BP7

NM_001008537.3(NEXMIF):c.4284T>C (p.Asp1428=)

Gene: NEXMIF (neurite extension and migration factor; minus strand). Cytogenetic location: Xq13.3.
Variant type: single nucleotide variant.
Coding change: c.4284T>C on transcript NM_001008537.3 (MANE Select); coding-DNA position 4284, T replaced by C.
Protein change: p.Asp1428=; no amino-acid change (aspartic acid 1428 retained).
Molecular consequence: synonymous variant.
Genome position (GRCh38, 1-based): chrX:74,740,273, A>G on the plus strand (T>C on the coding strand, the complement: NEXMIF is on the minus strand). VCF-style: chrX-74740273-A-G. GRCh37 (hg19) VCF-style: chrX-73960108-A-G.
Identifiers: ClinVar variation 2660930 (VCV002660930.24), dbSNP rs2519911057, ClinGen allele CA517465566.